The following is an entry in ClinVar:

ClinVar aggregate classification (germline): Uncertain significance (1 of 4 stars; one submission).

Allele frequency attached by ClinVar (database versions not stated): gnomAD 0.00001; gnomAD exomes 0.00002; TOPMed 0.00002; ExAC 0.00003.
gnomAD v4.1: 32 of 1,613,744 alleles (0.002%); highest among the groups gnomAD compares: Middle Eastern, 0.016%; no homozygotes.

Submission:

Labcorp Genetics (formerly Invitae), Labcorp
Classification: Uncertain significance. Last evaluated: 2021-04-06. Review status: criteria provided, single submitter. Criteria: Invitae Variant Classification Sherloc (09022015). Collection method: clinical testing. Allele origin: germline.
Comment: In summary, the available evidence is currently insufficient to determine the role of this variant in disease. Therefore, it has been classified as a Variant of Uncertain Significance. Algorithms developed to predict the effect of missense changes on protein structure and function are either unavailable or do not agree on the potential impact of this missense change (SIFT: "Deleterious"; PolyPhen-2: "Benign"; Align-GVGD: "Class C0"). This variant has not been reported in the literature in individuals with CDC45-related conditions. This variant is present in population databases (rs751887434, ExAC 0.006%). This sequence change replaces arginine with glutamine at codon 516 of the CDC45 protein (p.Arg516Gln). The arginine residue is moderately conserved and there is a small physicochemical difference between arginine and glutamine.

NM_003504.5(CDC45):c.1451G>A (p.Arg484Gln)

Gene: CDC45 (cell division cycle 45; plus strand). Cytogenetic location: 22q11.21.
Variant type: single nucleotide variant.
Coding change: c.1451G>A on transcript NM_003504.5 (MANE Select); coding-DNA position 1451, G replaced by A.
Protein change: p.Arg484Gln; replaces arginine 484 with glutamine.
Molecular consequence: missense variant. On other transcripts: non-coding transcript variant (1).
Genome position (GRCh38, 1-based): chr22:19,516,537, G>A. VCF-style: chr22-19516537-G-A. GRCh37 (hg19) VCF-style: chr22-19504060-G-A.
Other names: c.1547G>A, p.Arg516Gln (NM_001178010.2); c.1313G>A, p.Arg438Gln (NM_001178011.2); c.1415G>A, p.Arg472Gln (NM_001369291.1); short protein forms R438Q, R484Q, R472Q, R516Q.
Identifiers: ClinVar variation 1359539 (VCV001359539.8), dbSNP rs751887434, ClinGen allele CA10101456.
Genomic context (GRCh38, chr22:19,516,537, plus strand): 5'-TGAGCTGGGGCCCACCATACCCTGACGGAGGGTGCTCTCCGACTCCATAGACAAAGAACC[G>A]GCGCTGCAAACTGCTGCCCCTGGTGATGGCTGCCCCCCTGAGCATGGAGCATGGCACAGT-3'
Protein context (NP_003495.1, residues 474-494): LKSFVCSTKN[Arg484Gln]RCKLLPLVMA